The following is an entry in ClinVar:

ClinVar aggregate classification (germline): Uncertain significance (1 of 4 stars; one submission).

Conditions:
Norman-Roberts syndrome (LIS2). Also called: Lissencephaly 2 (Norman-Roberts type). Identifiers: Orphanet 89844, MedGen C0796089, MONDO:0009760, OMIM 257320.
Familial temporal lobe epilepsy 7. Identifiers: Orphanet 101046, MedGen C4225327, MONDO:0014639, OMIM 616436.

Allele frequency attached by ClinVar (database versions not stated): gnomAD exomes below 0.00001.
gnomAD v4.1: 1 of 1,612,700 alleles (0.000062%); highest among the groups gnomAD compares: Non-Finnish European, 0.000085%; no homozygotes.

Submission:

Labcorp Genetics (formerly Invitae), Labcorp
Classification: Uncertain significance for Familial temporal lobe epilepsy 7; Norman-Roberts syndrome. Last evaluated: 2023-04-16. Review status: criteria provided, single submitter. Criteria: Invitae Variant Classification Sherloc (09022015). Collection method: clinical testing. Allele origin: germline.
Comment: This variant is not present in population databases (gnomAD no frequency). In summary, the available evidence is currently insufficient to determine the role of this variant in disease. Therefore, it has been classified as a Variant of Uncertain Significance. Advanced modeling of protein sequence and biophysical properties (such as structural, functional, and spatial information, amino acid conservation, physicochemical variation, residue mobility, and thermodynamic stability) performed at Invitae indicates that this missense variant is not expected to disrupt RELN protein function. This variant has not been reported in the literature in individuals affected with RELN-related conditions. This sequence change replaces leucine, which is neutral and non-polar, with phenylalanine, which is neutral and non-polar, at codon 214 of the RELN protein (p.Leu214Phe).

NM_005045.4(RELN):c.642A>C (p.Leu214Phe)

Gene: RELN (reelin; minus strand). Cytogenetic location: 7q22.1.
Variant type: single nucleotide variant.
Coding change: c.642A>C on transcript NM_005045.4 (MANE Select); coding-DNA position 642, A replaced by C.
Protein change: p.Leu214Phe; replaces leucine 214 with phenylalanine.
Molecular consequence: missense variant.
Genome position (GRCh38, 1-based): chr7:103,749,440, T>G on the plus strand (A>C on the coding strand, the complement: RELN is on the minus strand). VCF-style: chr7-103749440-T-G. GRCh37 (hg19) VCF-style: chr7-103389887-T-G.
Other names: c.642A>C, p.Leu214Phe (NM_173054.3); short protein forms L214F.
Identifiers: ClinVar variation 2946524 (VCV002946524.3), dbSNP rs2485055931, ClinGen allele CA368930228.